The following is an entry in ClinVar:

NC_000011.9:g.(?_62457839)_(62462203_?)del

Gene: BSCL2 (BSCL2 lipid droplet biogenesis associated, seipin; minus strand). Cytogenetic location: 11q12.3.
Variant type: Deletion.
Identifiers: ClinVar variation 2427057 (VCV002427057.4).

ClinVar aggregate classification (germline): Pathogenic (1 of 4 stars; one submission).

Conditions:
Charcot-Marie-Tooth disease type 2. Also called: Charcot-Marie-Tooth type 2. Identifiers: Orphanet 64746, MedGen C0270914, MONDO:0018993.

Submission:

Labcorp Genetics (formerly Invitae), Labcorp
Classification: Pathogenic for Charcot-Marie-Tooth disease type 2. Last evaluated: 2023-07-31. Review status: criteria provided, single submitter. Criteria: Invitae Variant Classification Sherloc (09022015). Collection method: clinical testing. Allele origin: germline.
Comment: This variant has not been reported in the literature in individuals affected with BSCL2-related conditions. This variant is a gross deletion of the genomic region encompassing exon(s) 4-11 of the BSCL2 gene, which includes the termination codon. This deletion extends beyond the assayed region for this gene and therefore may encompass additional genes. While this deletion is not anticipated to lead to nonsense mediated decay, it is expected to alter mRNA translation or result in a truncated protein product. This variant disrupts a region of the BSCL2 protein in which other variant(s) (p.Gln391*) have been determined to be pathogenic (PMID: 19226263, 24024128). This suggests that this is a clinically significant region of the protein, and that variants that disrupt it are likely to be disease-causing. For these reasons, this variant has been classified as Pathogenic.

Literature cited by the submitters: PubMed 19226263; PubMed 24024128.